The following is an entry in ClinVar:

NM_003036.4(SKI):c.104C>A (p.Pro35Gln)

Gene: SKI (SKI proto-oncogene; plus strand). Cytogenetic location: 1p36.33.
Variant type: single nucleotide variant.
Coding change: c.104C>A on transcript NM_003036.4 (MANE Select); coding-DNA position 104, C replaced by A.
Protein change: p.Pro35Gln; replaces proline 35 with glutamine.
Molecular consequence: missense variant.
Genome position (GRCh38, 1-based): chr1:2,228,870, C>A. VCF-style: chr1-2228870-C-A. GRCh37 (hg19) VCF-style: chr1-2160309-C-A.
Other names: short protein forms P35Q.
Identifiers: ClinVar variation 39785 (VCV000039785.9), dbSNP rs397514589, ClinGen allele CA261222.

ClinVar aggregate classification (germline): Pathogenic. Review status: criteria provided, single submitter (1 of 4 stars). 2 submissions from 2 submitters: Pathogenic (1). 1 of the submissions does not count toward it. Last evaluated 2025-08-21.

Conditions:
Shprintzen-Goldberg syndrome (SGS). Also called: SHPRINTZEN-GOLDBERG CRANIOSYNOSTOSIS SYNDROME; CRANIOSYNOSTOSIS WITH ARACHNODACTYLY AND ABDOMINAL HERNIAS; Marfanoid disorder with craniosynostosis type 1; Marfanoid craniosynostosis syndrome; Shprintzen-Goldberg marfanoid syndrome. Identifiers: Orphanet 2462, MedGen C1321551, MONDO:0008426, OMIM 182212.

Submissions (2):

Labcorp Genetics (formerly Invitae), Labcorp
Classification: Pathogenic for Shprintzen-Goldberg syndrome. Last evaluated: 2025-08-21. Review status: criteria provided, single submitter. Criteria: Invitae Variant Classification Sherloc (09022015). Collection method: clinical testing. Allele origin: germline.
Comment: This sequence change replaces proline, which is neutral and non-polar, with glutamine, which is neutral and polar, at codon 35 of the SKI protein (p.Pro35Gln). This variant is not present in population databases (gnomAD no frequency). This missense change has been observed in individual(s) with Shprintzen-Goldberg syndrome (PMID: 23103230). In at least one individual the variant was observed to be de novo. ClinVar contains an entry for this variant (Variation ID: 39785). Invitae Evidence Modeling of protein sequence and biophysical properties (such as structural, functional, and spatial information, amino acid conservation, physicochemical variation, residue mobility, and thermodynamic stability) indicates that this missense variant is expected to disrupt SKI protein function with a positive predictive value of 95%. This variant disrupts the p.Pro35 amino acid residue in SKI. Other variant(s) that disrupt this residue have been determined to be pathogenic (PMID: 23023332, 23103230, 24357594, 24736733). This suggests that this residue is clinically significant, and that variants that disrupt this residue are likely to be disease-causing. For these reasons, this variant has been classified as Pathogenic.

OMIM
Classification: Pathogenic for SHPRINTZEN-GOLDBERG CRANIOSYNOSTOSIS SYNDROME. Last evaluated: 2012-11-02. Review status: no assertion criteria provided. Collection method: literature only. Allele origin: germline. Not counted in ClinVar's aggregate classification.

Literature cited by the submitters: PubMed 23103230 (cited by Labcorp Genetics (formerly Invitae), Labcorp and OMIM); PubMed 23023332 (cited by Labcorp Genetics (formerly Invitae), Labcorp); PubMed 24357594 (cited by Labcorp Genetics (formerly Invitae), Labcorp); PubMed 24736733 (cited by Labcorp Genetics (formerly Invitae), Labcorp).